The following is an entry in ClinVar:

ClinVar aggregate classification (germline): Uncertain significance. Review status: criteria provided, multiple submitters, no conflicts (2 of 4 stars). 2 submissions from 2 submitters: Uncertain significance (2). Last evaluated 2024-07-23.

Conditions:
Inborn genetic diseases. Identifiers: MedGen C0950123, MeSH D030342.

Allele frequency attached by ClinVar (database versions not stated): ExAC 0.00002; gnomAD exomes 0.00002 and 0.00007; gnomAD 0.00003 and 0.00004; TOPMed 0.00003.
gnomAD v4.1: 107 of 1,609,028 alleles (0.0066%); highest among the groups gnomAD compares: Non-Finnish European, 0.0086%; no homozygotes.

Submissions (2):

Ambry Genetics
Classification: Uncertain significance for Inborn genetic diseases. Last evaluated: 2024-07-23. Review status: criteria provided, single submitter. Criteria: Ambry Variant Classification Scheme 2023. Collection method: clinical testing. Allele origin: germline.

Labcorp Genetics (formerly Invitae), Labcorp
Classification: Uncertain significance. Last evaluated: 2022-09-27. Review status: criteria provided, single submitter. Criteria: Invitae Variant Classification Sherloc (09022015). Collection method: clinical testing. Allele origin: germline.
Comment: In summary, the available evidence is currently insufficient to determine the role of this variant in disease. Therefore, it has been classified as a Variant of Uncertain Significance. Advanced modeling of protein sequence and biophysical properties (such as structural, functional, and spatial information, amino acid conservation, physicochemical variation, residue mobility, and thermodynamic stability) performed at Invitae indicates that this missense variant is expected to disrupt CENPJ protein function. ClinVar contains an entry for this variant (Variation ID: 1435697). This variant has not been reported in the literature in individuals affected with CENPJ-related conditions. This variant is present in population databases (rs775885818, gnomAD 0.007%). This sequence change replaces glutamine, which is neutral and polar, with histidine, which is basic and polar, at codon 606 of the CENPJ protein (p.Gln606His).

NM_018451.5(CPAP):c.1818G>C (p.Gln606His)

Gene: CPAP (centrosome assembly and centriole elongation protein; minus strand). Cytogenetic location: 13q12.13.
Variant type: single nucleotide variant.
Coding change: c.1818G>C on transcript NM_018451.5 (MANE Select); coding-DNA position 1818, G replaced by C.
Protein change: p.Gln606His; replaces glutamine 606 with histidine.
Molecular consequence: missense variant. On other transcripts: non-coding transcript variant (2).
Genome position (GRCh38, 1-based): chr13:24,906,220, C>G on the plus strand (G>C on the coding strand, the complement: CPAP is on the minus strand). VCF-style: chr13-24906220-C-G. GRCh37 (hg19) VCF-style: chr13-25480358-C-G.
Other names: c.1818G>C (NM_018451.3); short protein forms Q606H.
Identifiers: ClinVar variation 1435697 (VCV001435697.7), dbSNP rs775885818, ClinGen allele CA6919695.